The following is an entry in ClinVar:

NM_022552.5(DNMT3A):c.1276G>A (p.Glu426Lys)

Gene: DNMT3A (DNA methyltransferase 3 alpha; minus strand). Cytogenetic location: 2p23.3.
Variant type: single nucleotide variant.
Coding change: c.1276G>A on transcript NM_022552.5 (MANE Select); coding-DNA position 1276, G replaced by A.
Protein change: p.Glu426Lys; replaces glutamic acid 426 with lysine.
Molecular consequence: missense variant. On other transcripts: non-coding transcript variant (1).
Genome position (GRCh38, 1-based): chr2:25,246,623, C>T on the plus strand (G>A on the coding strand, the complement: DNMT3A is on the minus strand). VCF-style: chr2-25246623-C-T. GRCh37 (hg19) VCF-style: chr2-25469492-C-T.
Other names: c.820G>A, p.Glu274Lys (NM_001320893.1); c.607G>A, p.Glu203Lys (NM_001375819.1); c.709G>A, p.Glu237Lys (NM_153759.3); c.1276G>A, p.Glu426Lys (NM_175629.2); short protein forms E203K, E237K, E274K, E426K.
Identifiers: ClinVar variation 3358031 (VCV003358031.3).

ClinVar aggregate classification (germline): Uncertain significance. Review status: criteria provided, single submitter (1 of 4 stars). 2 submissions from 2 submitters: Uncertain significance (1). 1 of the submissions does not count toward it. Last evaluated 2024-11-19.

Conditions:
DNMT3A-related disorder. Also called: DNMT3A-related condition; DNMT3A-related disorders.
Tatton-Brown-Rahman overgrowth syndrome. Also called: Tall stature-intellectual disability-facial dysmorphism syndrome; Tatton-Brown-Rahman syndrome. Identifiers: Orphanet 404443, MedGen C4014545, MONDO:0014382, OMIM 615879.

gnomAD v4.1: 47 of 1,609,730 alleles (0.0029%); highest among the groups gnomAD compares: Non-Finnish European, 0.0039%; no homozygotes.

Submissions (2):

Labcorp Genetics (formerly Invitae), Labcorp
Classification: Uncertain significance for Tatton-Brown-Rahman overgrowth syndrome. Last evaluated: 2024-11-19. Review status: criteria provided, single submitter. Criteria: Invitae Variant Classification Sherloc (09022015). Collection method: clinical testing. Allele origin: germline.
Comment: This sequence change replaces glutamic acid, which is acidic and polar, with lysine, which is basic and polar, at codon 426 of the DNMT3A protein (p.Glu426Lys). This variant is not present in population databases (gnomAD no frequency). This variant has not been reported in the literature in individuals affected with DNMT3A-related conditions. Invitae Evidence Modeling of protein sequence and biophysical properties (such as structural, functional, and spatial information, amino acid conservation, physicochemical variation, residue mobility, and thermodynamic stability) indicates that this missense variant is not expected to disrupt DNMT3A protein function with a negative predictive value of 95%. In summary, the available evidence is currently insufficient to determine the role of this variant in disease. Therefore, it has been classified as a Variant of Uncertain Significance.

PreventionGenetics, part of Exact Sciences
Classification: Uncertain significance for DNMT3A-related condition. Last evaluated: 2024-08-14. Review status: no assertion criteria provided. Collection method: clinical testing. Allele origin: germline. Not counted in ClinVar's aggregate classification.
Comment: The DNMT3A c.1276G>A variant is predicted to result in the amino acid substitution p.Glu426Lys. To our knowledge, this variant has not been reported in the literature or in a large population database, indicating this variant is rare. At this time, the clinical significance of this variant is uncertain due to the absence of conclusive functional and genetic evidence.